The following is an entry in ClinVar:

ClinVar aggregate classification (germline): Pathogenic (1 of 4 stars; one submission).

Conditions:
LAMA2-related muscular dystrophy (LAMA2-RD). Also called: Laminin alpha 2-related dystrophy. Identifiers: MedGen C5679788, MONDO:0100228.

Submission:

Labcorp Genetics (formerly Invitae), Labcorp
Classification: Pathogenic for LAMA2-related muscular dystrophy. Last evaluated: 2022-05-21. Review status: criteria provided, single submitter. Criteria: Invitae Variant Classification Sherloc (09022015). Collection method: clinical testing. Allele origin: germline.
Comment: For these reasons, this variant has been classified as Pathogenic. This variant has not been reported in the literature in individuals affected with LAMA2-related conditions. This variant is a gross deletion of the genomic region encompassing exon(s) 31-40 of the LAMA2 gene. This deletion is out-of-frame, and is expected to create a premature termination codon and result in an absent or disrupted protein product. Loss-of-function variants in LAMA2 are known to be pathogenic (PMID: 18700894, 32904964).

Literature cited by the submitters: PubMed 18700894; PubMed 32904964.

NC_000006.12:g.(?_129349288)_(129403969_?)del

Gene: LAMA2 (laminin subunit alpha 2; plus strand). Cytogenetic location: 6q22.33.
Variant type: Deletion.
Identifiers: ClinVar variation 650191 (VCV000650191.7).